The following is an entry in ClinVar:

NM_000350.3(ABCA4):c.2743G>A (p.Asp915Asn)

Gene: ABCA4 (ATP binding cassette subfamily A member 4; minus strand). Cytogenetic location: 1p22.1.
Variant type: single nucleotide variant.
Coding change: c.2743G>A on transcript NM_000350.3 (MANE Select); coding-DNA position 2743, G replaced by A.
Protein change: p.Asp915Asn; replaces aspartic acid 915 with asparagine.
Molecular consequence: missense variant.
Genome position (GRCh38, 1-based): chr1:94,048,868, C>T on the plus strand (G>A on the coding strand, the complement: ABCA4 is on the minus strand). VCF-style: chr1-94048868-C-T. GRCh37 (hg19) VCF-style: chr1-94514424-C-T.
Other names: c.2521G>A, p.Asp841Asn (NM_001425324.1); short protein forms D915N, D841N.
Identifiers: ClinVar variation 1448712 (VCV001448712.10), dbSNP rs139035971, ClinGen allele CA958179.

ClinVar aggregate classification (germline): Pathogenic/Likely pathogenic. Review status: criteria provided, multiple submitters, no conflicts (2 of 4 stars). 3 submissions from 3 submitters: Pathogenic (2); Likely pathogenic (1). Last evaluated 2025-08-24.

Conditions:
ABCA4-related disorder. Also called: ABCA4-related disorders; ABCA4-related condition. Identifiers: MedGen CN239167.
Retinal dystrophy. Also called: Inherited retinal dystrophy. Identifiers: Orphanet 71862, MedGen C0854723, MeSH D058499, MONDO:0019118, HP:0000556.

Allele frequency attached by ClinVar (database versions not stated): TOPMed 0.00001; ESP Exome Variant Server 0.00008.
gnomAD v4.1: 6 of 1,613,982 alleles (0.00037%); highest among the groups gnomAD compares: Non-Finnish European, 0.00042%; no homozygotes.

Submissions (3):

Labcorp Genetics (formerly Invitae), Labcorp
Classification: Pathogenic. Last evaluated: 2025-08-24. Review status: criteria provided, single submitter. Criteria: Invitae Variant Classification Sherloc (09022015). Collection method: clinical testing. Allele origin: germline.
Comment: This sequence change replaces aspartic acid, which is acidic and polar, with asparagine, which is neutral and polar, at codon 915 of the ABCA4 protein (p.Asp915Asn). This variant also falls at the last nucleotide of exon 18, which is part of the consensus splice site for this exon. This variant is present in population databases (rs139035971, gnomAD 0.0009%). This missense change has been observed in individual(s) with ABCA4-related conditions (PMID: 29114839; internal data). In at least one individual the data is consistent with being in trans (on the opposite chromosome) from a pathogenic variant. ClinVar contains an entry for this variant (Variation ID: 1448712). An algorithm developed to predict the effect of missense changes on protein structure and function (PolyPhen-2) suggests that this variant is likely to be tolerated. Variants that disrupt the consensus splice site are a relatively common cause of aberrant splicing (PMID: 17576681, 9536098). Algorithms developed to predict the effect of sequence changes on RNA splicing suggest that this variant may disrupt the consensus splice site. For these reasons, this variant has been classified as Pathogenic.

Blueprint Genetics
Classification: Pathogenic for ABCA4-related disorders. Last evaluated: 2022-06-20. Review status: criteria provided, single submitter. Criteria: ACMG Guidelines, 2015. Collection method: clinical testing. Allele origin: germline. Affected: yes. Observed: 3 variant alleles.

Institute of Human Genetics, Univ. Regensburg, Univ. Regensburg
Classification: Likely pathogenic for Retinal dystrophy. Last evaluated: 2022-01-01. Review status: criteria provided, single submitter. Criteria: ACMG Guidelines, 2015. Collection method: clinical testing. Allele origin: germline. Affected: yes.

Literature cited by the submitters: PubMed 29114839 (cited by Labcorp Genetics (formerly Invitae), Labcorp and Institute of Human Genetics, Univ. Regensburg, Univ. Regensburg); PubMed 17576681 (cited by Labcorp Genetics (formerly Invitae), Labcorp); PubMed 9536098 (cited by Labcorp Genetics (formerly Invitae), Labcorp); PubMed 3646071 (cited by Institute of Human Genetics, Univ. Regensburg, Univ. Regensburg).